The following is an entry in ClinVar:

NM_013450.4(BAZ2B):c.4870G>A (p.Gly1624Ser)

Genes: BAZ2B (bromodomain adjacent to zinc finger domain 2B; minus strand), LOC126806390 (CDK7 strongly-dependent group 2 enhancer GRCh37_chr2:160205700-160206899; plus strand). Cytogenetic location: 2q24.2.
Variant type: single nucleotide variant.
Coding change: c.4870G>A on transcript NM_013450.4 (MANE Select); coding-DNA position 4870, G replaced by A.
Protein change: p.Gly1624Ser; replaces glycine 1624 with serine.
Molecular consequence: missense variant.
Genome position (GRCh38, 1-based): chr2:159,349,274, C>T on the plus strand (G>A on the coding strand, the complement: BAZ2B is on the minus strand). VCF-style: chr2-159349274-C-T. GRCh37 (hg19) VCF-style: chr2-160205785-C-T.
Other names: c.4762G>A, p.Gly1588Ser (NM_001289975.1); c.4708G>A, p.Gly1570Ser (NM_001329857.2); c.4795G>A, p.Gly1599Ser (NM_001329858.2); short protein forms G1570S, G1599S, G1624S, G1588S.
Identifiers: ClinVar variation 4594409 (VCV004594409.2).

ClinVar aggregate classification (germline): Likely benign. Review status: criteria provided, multiple submitters, no conflicts (2 of 4 stars). 2 submissions from 2 submitters: Likely benign (2). Last evaluated 2026-07-01.

Conditions:
Inborn genetic diseases. Identifiers: MedGen C0950123, MeSH D030342.

gnomAD v4.1: 44 of 1,586,016 alleles (0.0028%); highest among the groups gnomAD compares: Admixed American, 0.073%; no homozygotes.

Submissions (2):

CeGaT Center for Human Genetics Tuebingen
Classification: Likely benign. Last evaluated: 2026-07-01. Review status: criteria provided, single submitter. Criteria: CeGaT Center For Human Genetics Tuebingen Variant Classification Criteria Version 2. Collection method: clinical testing. Allele origin: germline. Affected: yes. Observed: 1 variant allele.
Comment: BAZ2B: BP4

Ambry Genetics
Classification: Likely benign for Inborn genetic diseases. Last evaluated: 2025-10-24. Review status: criteria provided, single submitter. Criteria: Ambry Variant Classification Scheme 2023. Collection method: clinical testing. Allele origin: germline.